The following is an entry in ClinVar:

NM_005188.4(CBL):c.1744C>A (p.Pro582Thr)

Gene: CBL (Cbl proto-oncogene; plus strand). Cytogenetic location: 11q23.3.
Variant type: single nucleotide variant.
Coding change: c.1744C>A on transcript NM_005188.4 (MANE Select); coding-DNA position 1744, C replaced by A.
Protein change: p.Pro582Thr; replaces proline 582 with threonine.
Molecular consequence: missense variant.
Genome position (GRCh38, 1-based): chr11:119,285,369, C>A. VCF-style: chr11-119285369-C-A. GRCh37 (hg19) VCF-style: chr11-119156079-C-A.
Other names: c.1744C>A (NM_005188.2); short protein forms P582T.
Identifiers: ClinVar variation 1507887 (VCV001507887.10), dbSNP rs2135310666, ClinGen allele CA382919961.

ClinVar aggregate classification (germline): Uncertain significance. Review status: criteria provided, multiple submitters, no conflicts (2 of 4 stars). 3 submissions from 3 submitters: Uncertain significance (3). Last evaluated 2025-01-27.

Conditions:
CBL-related disorder. Also called: NOONAN SYNDROME-LIKE DISORDER WITHOUT JUVENILE MYELOMONOCYTIC LEUKEMIA; CBL MUTATION-ASSOCIATED SYNDROME; CBL SYNDROME. Identifiers: Orphanet 363972, MedGen C3150803, MONDO:0013308, OMIM 613563.
Cardiovascular phenotype. Identifiers: MedGen CN230736.
RASopathy. Also called: rasopathies; Noonan spectrum disorder. Identifiers: Orphanet 536391, MedGen C5555857, MONDO:0021060.

Submissions (3):

Ambry Genetics
Classification: Uncertain significance for Cardiovascular phenotype. Last evaluated: 2025-01-27. Review status: criteria provided, single submitter. Criteria: Ambry Variant Classification Scheme 2023. Collection method: clinical testing. Allele origin: germline.
Comment: The p.P582T variant (also known as c.1744C>A), located in coding exon 11 of the CBL gene, results from a C to A substitution at nucleotide position 1744. The proline at codon 582 is replaced by threonine, an amino acid with highly similar properties. This amino acid position is conserved. In addition, the in silico prediction for this alteration is inconclusive. Based on the available evidence, the clinical significance of this variant remains unclear.

Labcorp Genetics (formerly Invitae), Labcorp
Classification: Uncertain significance for RASopathy. Last evaluated: 2022-12-02. Review status: criteria provided, single submitter. Criteria: Invitae Variant Classification Sherloc (09022015). Collection method: clinical testing. Allele origin: germline.
Comment: This sequence change replaces proline, which is neutral and non-polar, with threonine, which is neutral and polar, at codon 582 of the CBL protein (p.Pro582Thr). This variant is not present in population databases (gnomAD no frequency). This variant has not been reported in the literature in individuals affected with CBL-related conditions. ClinVar contains an entry for this variant (Variation ID: 1507887). Advanced modeling of protein sequence and biophysical properties (such as structural, functional, and spatial information, amino acid conservation, physicochemical variation, residue mobility, and thermodynamic stability) performed at Invitae indicates that this missense variant is not expected to disrupt CBL protein function. In summary, the available evidence is currently insufficient to determine the role of this variant in disease. Therefore, it has been classified as a Variant of Uncertain Significance.

New York Genome Center
Classification: Uncertain significance for CBL-related disorder. Last evaluated: 2021-06-10. Review status: criteria provided, single submitter. Criteria: NYGC Assertion Criteria 2020. Collection method: clinical testing. Allele origin: inherited. Observed: 1 heterozygote. Study: CSER-NYCKidSeq.